The following is an entry in ClinVar:

ClinVar aggregate classification (germline): Uncertain significance. Review status: criteria provided, single submitter (1 of 4 stars). 2 submissions from 2 submitters: Uncertain significance (1). 1 of the submissions does not count toward it. Last evaluated 2022-09-06.

Conditions:
AVIL-related disorder. Also called: AVIL-related condition.

Allele frequency attached by ClinVar (database versions not stated): 1000 Genomes Project 0.00080; 1000 Genomes Project 30x 0.00109; ExAC 0.00113; gnomAD 0.00131; gnomAD exomes 0.00158; TOPMed 0.00185; ESP Exome Variant Server 0.00200.
gnomAD v4.1: 2,533 of 1,614,210 alleles (0.16%); highest among the groups gnomAD compares: Admixed American, 0.31%; 5 homozygotes.

Submissions (2):

Ambry Genetics
Classification: Uncertain significance. Last evaluated: 2022-09-06. Review status: criteria provided, single submitter. Criteria: Ambry Variant Classification Scheme 2023. Collection method: clinical testing. Allele origin: germline.

PreventionGenetics, part of Exact Sciences
Classification: Likely benign for AVIL-related condition. Last evaluated: 2021-11-19. Review status: no assertion criteria provided. Collection method: clinical testing. Allele origin: germline. Not counted in ClinVar's aggregate classification.
Comment: This variant is classified as likely benign based on ACMG/AMP sequence variant interpretation guidelines (Richards et al. 2015 PMID: 25741868, with internal and published modifications).

NM_006576.4(AVIL):c.748A>G (p.Ile250Val)

Gene: AVIL (advillin; minus strand). Cytogenetic location: 12q14.1.
Variant type: single nucleotide variant.
Coding change: c.748A>G on transcript NM_006576.4 (MANE Select); coding-DNA position 748, A replaced by G.
Protein change: p.Ile250Val; replaces isoleucine 250 with valine.
Molecular consequence: missense variant.
Genome position (GRCh38, 1-based): chr12:57,810,362, T>C on the plus strand (A>G on the coding strand, the complement: AVIL is on the minus strand). VCF-style: chr12-57810362-T-C. GRCh37 (hg19) VCF-style: chr12-58204145-T-C.
Other names: short protein forms I250V.
Identifiers: ClinVar variation 2212236 (VCV002212236.4), dbSNP rs112269561, ClinGen allele CA6660082.